The following is an entry in ClinVar:

ClinVar aggregate classification (germline): Uncertain significance (1 of 4 stars; one submission).

Conditions:
Primary ciliary dyskinesia 23 (CILD23). Also called: CILIARY DYSKINESIA, PRIMARY, 23, WITH OR WITHOUT SITUS INVERSUS. Identifiers: Orphanet 244, MedGen C3809548, MONDO:0014193, OMIM 615451.

gnomAD v4.1: 2 of 1,600,056 alleles (0.00012%); highest among the groups gnomAD compares: African/African-American, 0.0013%; no homozygotes.

Submission:

Labcorp Genetics (formerly Invitae), Labcorp
Classification: Uncertain significance for Primary ciliary dyskinesia 23. Last evaluated: 2022-08-27. Review status: criteria provided, single submitter. Criteria: Invitae Variant Classification Sherloc (09022015). Collection method: clinical testing. Allele origin: germline.
Comment: This variant has not been reported in the literature in individuals affected with ARMC4-related conditions. This variant is not present in population databases (gnomAD no frequency). This sequence change falls in intron 16 of the ARMC4 gene. It does not directly change the encoded amino acid sequence of the ARMC4 protein. It affects a nucleotide within the consensus splice site. In summary, the available evidence is currently insufficient to determine the role of this variant in disease. Therefore, it has been classified as a Variant of Uncertain Significance. Variants that disrupt the consensus splice site are a relatively common cause of aberrant splicing (PMID: 17576681, 9536098). Algorithms developed to predict the effect of sequence changes on RNA splicing suggest that this variant is not likely to affect RNA splicing. ClinVar contains an entry for this variant (Variation ID: 970751).

Literature cited by the submitters: PubMed 17576681; PubMed 9536098.

NM_018076.5(ODAD2):c.2496-3T>C

Gene: ODAD2 (outer dynein arm docking complex subunit 2; minus strand). Cytogenetic location: 10p12.1.
Variant type: single nucleotide variant.
Coding change: c.2496-3T>C on transcript NM_018076.5 (MANE Select); 3 bases into the intron before coding-DNA position 2496, T replaced by C.
Molecular consequence: intron variant.
Genome position (GRCh38, 1-based): chr10:27,907,780, A>G on the plus strand (T>C on the coding strand, the complement: ODAD2 is on the minus strand). VCF-style: chr10-27907780-A-G. GRCh37 (hg19) VCF-style: chr10-28196709-A-G.
Other names: c.2496-3T>C (NM_001290020.2); c.1572-3T>C (NM_001312689.2); c.1071-3T>C (NM_001290021.2).
Identifiers: ClinVar variation 970751 (VCV000970751.10), dbSNP rs1843705235, ClinGen allele CA1139661418.
Genomic context (GRCh38, chr10:27,907,780, plus strand): 5'-GTGAGGATTTTTCAGCAGGGACCACAACAAACGAACTCCATCTAAGCGATCAATTATCCT[A>G]TCGTGGAACCCAAAATCATGATATAAACTGTCATTAGTATGTGAAGACAAACATTTTAAT-3'